The following is an entry in ClinVar:

ClinVar aggregate classification (germline): Uncertain significance (1 of 4 stars; one submission).

Conditions:
Paroxysmal nonkinesigenic dyskinesia. Also called: Paroxysmal non-kinesigenic dyskinesia. Identifiers: Orphanet 98810, MedGen C1869117, MONDO:0700088.

Allele frequency attached by ClinVar (database versions not stated): gnomAD exomes 0.00001.
gnomAD v4.1: 4 of 1,613,520 alleles (0.00025%); highest among the groups gnomAD compares: Non-Finnish European, 0.00034%; no homozygotes.

Submission:

Labcorp Genetics (formerly Invitae), Labcorp
Classification: Uncertain significance for Paroxysmal nonkinesigenic dyskinesia. Last evaluated: 2023-06-09. Review status: criteria provided, single submitter. Criteria: Invitae Variant Classification Sherloc (09022015). Collection method: clinical testing. Allele origin: germline.
Comment: This sequence change replaces glutamic acid, which is acidic and polar, with lysine, which is basic and polar, at codon 265 of the PNKD protein (p.Glu265Lys). This variant is not present in population databases (gnomAD no frequency). This variant has not been reported in the literature in individuals affected with PNKD-related conditions. Advanced modeling of protein sequence and biophysical properties (such as structural, functional, and spatial information, amino acid conservation, physicochemical variation, residue mobility, and thermodynamic stability) performed at Invitae indicates that this missense variant is expected to disrupt PNKD protein function. Algorithms developed to predict the effect of sequence changes on RNA splicing suggest that this variant may disrupt the consensus splice site. In summary, the available evidence is currently insufficient to determine the role of this variant in disease. Therefore, it has been classified as a Variant of Uncertain Significance.

NM_015488.5(PNKD):c.793G>A (p.Glu265Lys)

Genes: CATIP-AS2 (CATIP antisense RNA 2; minus strand), PNKD (PNKD metallo-beta-lactamase domain containing; plus strand). Cytogenetic location: 2q35.
Variant type: single nucleotide variant.
Coding change: c.793G>A on transcript NM_015488.5 (MANE Select); coding-DNA position 793, G replaced by A.
Protein change: p.Glu265Lys; replaces glutamic acid 265 with lysine.
Molecular consequence: missense variant.
Genome position (GRCh38, 1-based): chr2:218,343,511, G>A. VCF-style: chr2-218343511-G-A. GRCh37 (hg19) VCF-style: chr2-219208234-G-A.
Other names: c.721G>A, p.Glu241Lys (NM_022572.5); short protein forms E265K, E241K.
Identifiers: ClinVar variation 2857470 (VCV002857470.3), dbSNP rs2469471137, ClinGen allele CA350542016.